The following is an entry in ClinVar:

ClinVar aggregate classification (germline): Benign/Likely benign. Review status: criteria provided, multiple submitters, no conflicts (2 of 4 stars). 3 submissions from 3 submitters: Benign (1); Likely benign (2). Last evaluated 2024-06-25.

Conditions:
Oligodontia-cancer predisposition syndrome. Also called: TOOTH AGENESIS-COLORECTAL CANCER SYNDROME. Identifiers: Orphanet 300576, MedGen C1837750, MONDO:0012075, OMIM 608615. Disease mechanism: loss of function.
Hereditary cancer-predisposing syndrome. Also called: Tumor predisposition; Neoplastic Syndromes, Hereditary; Hereditary Cancer Syndrome; Hereditary neoplastic syndrome. Identifiers: Orphanet 140162, MedGen C0027672, MeSH D009386, MONDO:0015356.

Allele frequency attached by ClinVar (database versions not stated): gnomAD exomes 0.00002 and 0.00004.
gnomAD v4.1: 9 of 1,613,772 alleles (0.00056%); highest among the groups gnomAD compares: Admixed American, 0.015%; no homozygotes.

Submissions (3):

Myriad Genetics, Inc.
Classification: Benign for Oligodontia-cancer predisposition syndrome. Last evaluated: 2024-06-25. Review status: criteria provided, single submitter. Criteria: Myriad Autosomal Dominant, Autosomal Recessive and X-Linked Classification Criteria (2023). Collection method: clinical testing. Allele origin: unknown.
Comment: This variant is considered benign. This variant is a silent/synonymous amino acid change and it is not expected to impact splicing.

Labcorp Genetics (formerly Invitae), Labcorp
Classification: Likely benign for Oligodontia-cancer predisposition syndrome. Last evaluated: 2024-06-24. Review status: criteria provided, single submitter. Criteria: Invitae Variant Classification Sherloc (09022015). Collection method: clinical testing. Allele origin: germline.

Ambry Genetics
Classification: Likely benign for Hereditary cancer-predisposing syndrome. Last evaluated: 2023-01-15. Review status: criteria provided, single submitter. Criteria: Ambry Variant Classification Scheme 2023. Collection method: clinical testing. Allele origin: germline.

NM_004655.4(AXIN2):c.84G>A (p.Gly28=)

Gene: AXIN2 (axin 2; minus strand). Cytogenetic location: 17q24.1.
Variant type: single nucleotide variant.
Coding change: c.84G>A on transcript NM_004655.4 (MANE Select); coding-DNA position 84, G replaced by A.
Protein change: p.Gly28=; no amino-acid change (glycine 28 retained).
Molecular consequence: synonymous variant.
Genome position (GRCh38, 1-based): chr17:65,558,537, C>T on the plus strand (G>A on the coding strand, the complement: AXIN2 is on the minus strand). VCF-style: chr17-65558537-C-T. GRCh37 (hg19) VCF-style: chr17-63554655-C-T.
Other names: c.84G>A, p.Gly28= (NM_001363813.1).
Identifiers: ClinVar variation 799030 (VCV000799030.13), dbSNP rs1156549662, ClinGen allele CA501691634.